The following is an entry in ClinVar:

NM_020911.2(PLXNA4):c.5558T>C (p.Ile1853Thr)

Gene: PLXNA4 (plexin A4; minus strand). Cytogenetic location: 7q32.3.
Variant type: single nucleotide variant.
Coding change: c.5558T>C on transcript NM_020911.2 (MANE Select); coding-DNA position 5558, T replaced by C.
Protein change: p.Ile1853Thr; replaces isoleucine 1853 with threonine.
Molecular consequence: missense variant.
Genome position (GRCh38, 1-based): chr7:132,133,080, A>G on the plus strand (T>C on the coding strand, the complement: PLXNA4 is on the minus strand). VCF-style: chr7-132133080-A-G. GRCh37 (hg19) VCF-style: chr7-131817839-A-G.
Other names: c.5558T>C, p.Ile1853Thr (NM_001393897.1); short protein forms I1853T.
Identifiers: ClinVar variation 4985243 (VCV004985243.1).
Genomic context (GRCh38, chr7:132,133,080, plus strand): 5'-CAATGGGCCTGGAGCAGGGCAAAGCTTACCTCCTCGCTGTATTTGCCCACATAGGAGAAG[A>G]TCTCTGAGAGTGCACTCATGGTGTTGAACTCATTCATGTGCATCCGGGACTGCTCAGCCA-3'
Protein context (NP_065962.1, residues 1843-1863): EFNTMSALSE[Ile1853Thr]FSYVGKYSEE

ClinVar aggregate classification (germline): Uncertain significance (1 of 4 stars; one submission).

Conditions:
PLXNA4-related disorder. Also called: PLXNA4-related condition.

Submission:

PreventionGenetics, part of Exact Sciences
Classification: Uncertain significance for PLXNA4-related condition. Last evaluated: 2026-03-26. Review status: criteria provided, single submitter. Criteria: ACMG Guidelines, 2015. Collection method: clinical testing. Allele origin: germline.
Comment: The PLXNA4 c.5558T>C variant is predicted to result in the amino acid substitution p.Ile1853Thr. To our knowledge, this variant has not been reported in the literature or in a large population database (gnomAD), indicating this variant is rare. At this time, the clinical significance of this variant is uncertain due to the absence of conclusive functional and genetic evidence.